The following is an entry in ClinVar:

NM_007294.4(BRCA1):c.2158G>A (p.Glu720Lys)

Gene: BRCA1 (BRCA1 DNA repair associated; minus strand). Cytogenetic location: 17q21.31.
Variant type: single nucleotide variant.
Coding change: c.2158G>A on transcript NM_007294.4 (MANE Select); coding-DNA position 2158, G replaced by A.
Protein change: p.Glu720Lys; replaces glutamic acid 720 with lysine.
Molecular consequence: missense variant. On other transcripts: intron variant (137).
Genome position (GRCh38, 1-based): chr17:43,093,373, C>T on the plus strand (G>A on the coding strand, the complement: BRCA1 is on the minus strand). VCF-style: chr17-43093373-C-T. GRCh37 (hg19) VCF-style: chr17-41245390-C-T.
Other names: 2277G>A; c.787+1371G>A (NM_001408472.1, NM_001407990.1, NM_007299.4 and 17 more transcripts); c.788-1234G>A (NM_001407969.1, NM_001407968.1); c.577+1371G>A (NM_001408492.1, NM_001408513.1, NM_001408489.1 and 9 more transcripts); c.643+1371G>A (NM_001408468.1, NM_001408465.1, NM_001408463.1 and 3 more transcripts); c.523+1371G>A (NM_001408501.1, NM_001408500.1, NM_001408497.1 and 3 more transcripts); c.646+1371G>A (NM_001408455.1, NM_001408466.1, NM_001408452.1 and 11 more transcripts); c.520+1371G>A (NM_001408503.1, NM_001408505.1, NM_001408504.1); and 42 more; short protein forms E720K, E673K, E592K, E631K, E672K, E693K, E552K, E593K.
Identifiers: ClinVar variation 54479 (VCV000054479.19), dbSNP rs80356875, ClinGen allele CA001444.
Genomic context (GRCh38, chr17:43,093,373, plus strand): 5'-CTTTAACTGTTTCTAGTTTCTCTTCTTTTTCTTCTCTTGGAAGGCTAGGATTGACAAATT[C>T]TTTAAGTTCACTGGTATTTGAACACTTAGTAAAAGAACCAGGTGCATTTGTTAACTTCAG-3'
Protein context (NP_009225.1, residues 710-730): TKCSNTSELK[Glu720Lys]FVNPSLPREE

ClinVar aggregate classification (germline): Conflicting classifications of pathogenicity. Review status: criteria provided, conflicting classifications (1 of 4 stars). 6 submissions from 6 submitters: Uncertain significance (3); Likely benign (1). 2 of the submissions do not count toward it. Last evaluated 2024-01-11.

Conditions:
Hereditary cancer-predisposing syndrome. Also called: Tumor predisposition; Neoplastic Syndromes, Hereditary; Hereditary Cancer Syndrome; Hereditary neoplastic syndrome. Identifiers: Orphanet 140162, MedGen C0027672, MeSH D009386, MONDO:0015356.
Hereditary breast ovarian cancer syndrome. Also called: Hereditary breast and ovarian cancer syndrome (HBOC); Hereditary breast and ovarian cancer syndrome; Hereditary breast and ovarian cancer; Hereditary breast and/or ovarian cancer syndrome; Breast and ovarian cancer; BRCA1- and BRCA2-Associated Hereditary Breast and Ovarian Cancer. Identifiers: Orphanet 145, MedGen C0677776, MeSH D061325, MONDO:0003582. Disease mechanism: loss of function.
Breast-ovarian cancer, familial, susceptibility to, 1 (BROVCA1). Also called: OVARIAN CANCER, SUSCEPTIBILITY TO; BRCA1 Hereditary Breast and Ovarian Cancer. Identifiers: Orphanet 145, MedGen C2676676, MONDO:0011450, OMIM 604370. Disease mechanism: loss of function.

Allele frequency attached by ClinVar (database versions not stated): gnomAD exomes below 0.00001 and 0.00001; ExAC 0.00002.
gnomAD v4.1: 1 of 1,613,974 alleles (0.000062%); highest among the groups gnomAD compares: Non-Finnish European, 0.000085%; no homozygotes.

Submissions (6):

Ambry Genetics
Classification: Uncertain significance for Hereditary cancer-predisposing syndrome. Last evaluated: 2024-01-11. Review status: criteria provided, single submitter. Criteria: Ambry Variant Classification Scheme 2023. Collection method: clinical testing. Allele origin: germline.
Comment: The p.E720K variant (also known as c.2158G>A), located in coding exon 9 of the BRCA1 gene, results from a G to A substitution at nucleotide position 2158. The glutamic acid at codon 720 is replaced by lysine, an amino acid with similar properties. In a study of whole-exome sequencing in patients with features of Cowden syndrome (CS) or Bannayan-Riley-Ruvalcaba syndrome (BRRS) and negative PTEN testing, this alteration was identified in 0/87 patients with CS or BRRS and 1/3476 patients from The Cancer Genome Atlas (TCGA) (Yehia L et al. PLoS Genet, 2018 04;14:e1007352). This amino acid position is not well conserved in available vertebrate species. In addition, the in silico prediction for this alteration is inconclusive. Since supporting evidence is limited at this time, the clinical significance of this alteration remains unclear.

GeneDx
Classification: Uncertain significance. Last evaluated: 2023-12-21. Review status: criteria provided, single submitter. Criteria: GeneDx Variant Classification Process June 2021. Collection method: clinical testing. Allele origin: germline. Affected: yes.
Comment: Published functional studies suggest a neutral effect: reported with homology-directed repair activity comparable to wild type (PMID: 26689913); In silico analysis supports that this missense variant has a deleterious effect on protein structure/function; Not observed at significant frequency in large population cohorts (gnomAD); Also known as 2277G>A; This variant is associated with the following publications: (PMID: 32377563, 28152038, 29625052, 29884841, 15343273, 29684080, 30287823, 31853058, 36451132, 30702160, 26689913)

Labcorp Genetics (formerly Invitae), Labcorp
Classification: Uncertain significance for Hereditary breast ovarian cancer syndrome. Last evaluated: 2023-10-22. Review status: criteria provided, single submitter. Criteria: Invitae Variant Classification Sherloc (09022015). Collection method: clinical testing. Allele origin: germline.
Comment: This sequence change replaces glutamic acid, which is acidic and polar, with lysine, which is basic and polar, at codon 720 of the BRCA1 protein (p.Glu720Lys). This variant is present in population databases (rs80356875, gnomAD 0.002%). This missense change has been observed in individual(s) with breast cancer (PMID: 29625052). ClinVar contains an entry for this variant (Variation ID: 54479). Advanced modeling of protein sequence and biophysical properties (such as structural, functional, and spatial information, amino acid conservation, physicochemical variation, residue mobility, and thermodynamic stability) performed at Invitae indicates that this missense variant is not expected to disrupt BRCA1 protein function. Experimental studies have shown that this missense change does not substantially affect BRCA1 function (PMID: 26689913). In summary, the available evidence is currently insufficient to determine the role of this variant in disease. Therefore, it has been classified as a Variant of Uncertain Significance.

University of Washington Department of Laboratory Medicine, University of Washington
Classification: Likely benign for Hereditary cancer-predisposing syndrome. Last evaluated: 2023-03-23. Review status: criteria provided, single submitter. Criteria: Dines et al. (Genet Med. 2020). Collection method: curation. Allele origin: germline.
Comment: Missense variant in a coldspot region where missense variants are very unlikely to be pathogenic (PMID:31911673).

BRCA1 coldspot (exon 11 using historical exon numbering). Reclassification based on statistical prior probability

Breast Cancer Information Core (BIC) (BRCA1)
Classification: Uncertain significance for Breast-ovarian cancer, familial 1. Last evaluated: 2011-10-19. Review status: no assertion criteria provided. Collection method: clinical testing. Allele origin: germline, somatic. Affected: yes. Observed: 2 variant alleles. Not counted in ClinVar's aggregate classification.

Sharing Clinical Reports Project (SCRP)
Classification: Uncertain significance for Breast-ovarian cancer, familial 1. Last evaluated: 2010-11-23. Review status: no assertion criteria provided. Collection method: clinical testing. Allele origin: germline. Not counted in ClinVar's aggregate classification.

Literature cited by the submitters: PubMed 29625052 (cited by Ambry Genetics and Labcorp Genetics (formerly Invitae), Labcorp); PubMed 29684080 (cited by Ambry Genetics); PubMed 26689913 (cited by Labcorp Genetics (formerly Invitae), Labcorp).